The following is an entry in ClinVar:

NM_004714.3(DYRK1B):c.1651C>T (p.Arg551Cys)

Gene: DYRK1B (dual specificity tyrosine phosphorylation regulated kinase 1B; minus strand). Cytogenetic location: 19q13.2.
Variant type: single nucleotide variant.
Coding change: c.1651C>T on transcript NM_004714.3 (MANE Select); coding-DNA position 1651, C replaced by T.
Protein change: p.Arg551Cys; replaces arginine 551 with cysteine.
Molecular consequence: missense variant.
Genome position (GRCh38, 1-based): chr19:39,825,954, G>A on the plus strand (C>T on the coding strand, the complement: DYRK1B is on the minus strand). VCF-style: chr19-39825954-G-A. GRCh37 (hg19) VCF-style: chr19-40316594-G-A.
Other names: c.1531C>T, p.Arg511Cys (NM_006483.3); c.1567C>T, p.Arg523Cys (NM_006484.3); short protein forms R511C, R523C, R551C.
Identifiers: ClinVar variation 3350897 (VCV003350897.1).

ClinVar aggregate classification (germline): Uncertain significance (0 of 4 stars; one submission).

Conditions:
DYRK1B-related disorder. Also called: DYRK1B-related condition.

Submission:

PreventionGenetics, part of Exact Sciences
Classification: Uncertain significance for DYRK1B-related condition. Last evaluated: 2024-08-20. Review status: no assertion criteria provided. Collection method: clinical testing. Allele origin: germline.
Comment: The DYRK1B c.1651C>T variant is predicted to result in the amino acid substitution p.Arg551Cys. To our knowledge, this variant has not been reported in the literature. This variant is reported in 0.0062% of alleles in individuals of South Asian descent in gnomAD. At this time, the clinical significance of this variant is uncertain due to the absence of conclusive functional and genetic evidence.